The following is an entry in ClinVar:

NM_201384.3(PLEC):c.7856A>G (p.Gln2619Arg)

Gene: PLEC (plectin; minus strand). Cytogenetic location: 8q24.3.
Variant type: single nucleotide variant.
Coding change: c.7856A>G on transcript NM_201384.3 (MANE Select); coding-DNA position 7856, A replaced by G.
Protein change: p.Gln2619Arg; replaces glutamine 2619 with arginine.
Molecular consequence: missense variant.
Genome position (GRCh38, 1-based): chr8:143,921,965, T>C on the plus strand (A>G on the coding strand, the complement: PLEC is on the minus strand). VCF-style: chr8-143921965-T-C. GRCh37 (hg19) VCF-style: chr8-144996133-T-C.
Other names: c.7937A>G, p.Gln2646Arg (NM_000445.5); c.4556A>G, p.Gln1519Arg (NM_001410941.1); c.7814A>G, p.Gln2605Arg (NM_201378.4); c.7790A>G, p.Gln2597Arg (NM_201379.3); c.8267A>G, p.Gln2756Arg (NM_201380.4); c.7760A>G, p.Gln2587Arg (NM_201381.3); c.7856A>G, p.Gln2619Arg (NM_201382.4); c.7868A>G, p.Gln2623Arg (NM_201383.3); short protein forms Q2597R, Q2605R, Q2623R, Q2646R, Q2756R, Q1519R, Q2619R, Q2587R.
Identifiers: ClinVar variation 2190251 (VCV002190251.4), dbSNP rs1554687808, ClinGen allele CA372521596.

ClinVar aggregate classification (germline): Uncertain significance (1 of 4 stars; one submission).

Conditions:
Epidermolysis bullosa simplex with nail dystrophy (EBS5D). Identifiers: MedGen C4225309, MONDO:0014661, OMIM 616487.
Epidermolysis bullosa simplex 5B, with muscular dystrophy (EBS5B). Also called: EPIDERMOLYSIS BULLOSA SIMPLEX AND LIMB-GIRDLE MUSCULAR DYSTROPHY; Epidermolysis bullosa simplex with muscular dystrophy. Identifiers: Orphanet 257, MedGen C2931072, MONDO:0009181, OMIM 226670.
Epidermolysis bullosa simplex, Ogna type (EBS5A). Also called: Pidermolysis bullosa simplex 5A, Ogna type; EPIDERMOLYSIS BULLOSA SIMPLEX 5A, OGNA TYPE. Identifiers: Orphanet 79401, MedGen C0432317, MONDO:0007555, OMIM 131950.
Epidermolysis bullosa simplex 5C, with pyloric atresia (EBS5C). Also called: Epidermolysis bullosa simplex with pyloric atresia; PLEC-Related Epidermolysis Bullosa with Pyloric Atresia; PLEC1-Related Epidermolysis Bullosa with Pyloric Atresia. Identifiers: Orphanet 158684, MedGen C2677349, MONDO:0012807, OMIM 612138.
Autosomal recessive limb-girdle muscular dystrophy type 2Q (LGMDR17). Also called: MUSCULAR DYSTROPHY, LIMB-GIRDLE, AUTOSOMAL RECESSIVE 17. Identifiers: Orphanet 254361, MedGen C3150989, MONDO:0013390, OMIM 613723.

Allele frequency attached by ClinVar (database versions not stated): gnomAD 0.00001; TOPMed 0.00001; gnomAD exomes 0.00002.

Submission:

Labcorp Genetics (formerly Invitae), Labcorp
Classification: Uncertain significance for Autosomal recessive limb-girdle muscular dystrophy type 2Q; Epidermolysis bullosa simplex, Ogna type; Epidermolysis bullosa simplex with nail dystrophy; Epidermolysis bullosa simplex 5C, with pyloric atresia; Epidermolysis bullosa simplex 5B, with muscular dystrophy. Last evaluated: 2025-09-10. Review status: criteria provided, single submitter. Criteria: Invitae Variant Classification Sherloc (09022015). Collection method: clinical testing. Allele origin: germline.
Comment: This sequence change replaces glutamine, which is neutral and polar, with arginine, which is basic and polar, at codon 2646 of the PLEC protein (p.Gln2646Arg). This variant is not present in population databases (gnomAD no frequency). This variant has not been reported in the literature in individuals affected with PLEC-related conditions. ClinVar contains an entry for this variant (Variation ID: 2190251). Invitae Evidence Modeling of protein sequence and biophysical properties (such as structural, functional, and spatial information, amino acid conservation, physicochemical variation, residue mobility, and thermodynamic stability) indicates that this missense variant is not expected to disrupt PLEC protein function with a negative predictive value of 80%. In summary, the available evidence is currently insufficient to determine the role of this variant in disease. Therefore, it has been classified as a Variant of Uncertain Significance.